The following is an entry in ClinVar:

NM_005359.6(SMAD4):c.135G>A (p.Lys45=)

Gene: SMAD4 (SMAD family member 4; plus strand). Cytogenetic location: 18q21.2.
Variant type: single nucleotide variant.
Coding change: c.135G>A on transcript NM_005359.6 (MANE Select); coding-DNA position 135, G replaced by A.
Protein change: p.Lys45=; no amino-acid change (lysine 45 retained).
Molecular consequence: synonymous variant. On other transcripts: non-coding transcript variant (2).
Genome position (GRCh38, 1-based): chr18:51,047,181, G>A. VCF-style: chr18-51047181-G-A. GRCh37 (hg19) VCF-style: chr18-48573551-G-A.
Other names: c.135G>A, p.Lys45= (NM_001407041.1, NM_001407042.1, NM_001407043.1).
Identifiers: ClinVar variation 3445866 (VCV003445866.2).

ClinVar aggregate classification (germline): Likely benign. Review status: criteria provided, multiple submitters, no conflicts (2 of 4 stars). 2 submissions from 2 submitters: Likely benign (2). Last evaluated 2026-01-09.

Conditions:
Hereditary cancer-predisposing syndrome. Also called: Hereditary Cancer Syndrome; Neoplastic Syndromes, Hereditary; Hereditary neoplastic syndrome; Tumor predisposition. Identifiers: Orphanet 140162, MedGen C0027672, MeSH D009386, MONDO:0015356.
Familial thoracic aortic aneurysm and aortic dissection (TAAD). Also called: Thoracic aortic aneurysms and dissections. Identifiers: Orphanet 91387, MedGen C4707243, MONDO:0019625.
SMAD4-related disorder. Also called: SMAD4-related condition; SMAD4-Related disorders.

Submissions (2):

PreventionGenetics, part of Exact Sciences
Classification: Likely benign for SMAD4-related condition. Last evaluated: 2026-01-09. Review status: criteria provided, single submitter. Criteria: ACMG Guidelines, 2015. Collection method: clinical testing. Allele origin: germline.
Comment: This variant is classified as likely benign based on ACMG/AMP sequence variant interpretation guidelines (Richards et al. 2015 PMID: 25741868, with internal and published modifications).

Ambry Genetics
Classification: Likely benign for Hereditary cancer-predisposing syndrome; Familial thoracic aortic aneurysm and aortic dissection. Last evaluated: 2024-10-22. Review status: criteria provided, single submitter. Criteria: Ambry Variant Classification Scheme 2023. Collection method: clinical testing. Allele origin: germline.